The following is an entry in ClinVar:

NM_021870.3(FGG):c.1019C>T (p.Thr340Ile)

Gene: FGG (fibrinogen gamma chain; minus strand). Cytogenetic location: 4q32.1.
Variant type: single nucleotide variant.
Coding change: c.1019C>T on transcript NM_021870.3 (MANE Select); coding-DNA position 1019, C replaced by T.
Protein change: p.Thr340Ile; replaces threonine 340 with isoleucine.
Molecular consequence: missense variant.
Genome position (GRCh38, 1-based): chr4:154,606,815, G>A on the plus strand (C>T on the coding strand, the complement: FGG is on the minus strand). VCF-style: chr4-154606815-G-A. GRCh37 (hg19) VCF-style: chr4-155527967-G-A.
Other names: p.Thr340Ile; c.1019C>T, p.Thr340Ile (NM_000509.6); short protein forms T340I.
Identifiers: ClinVar variation 1705951 (VCV001705951.4), dbSNP rs2530855860, ClinGen allele CA358535777.

ClinVar aggregate classification (germline): Likely pathogenic (1 of 4 stars; one submission).

Submission:

Mayo Clinic Laboratories, Mayo Clinic
Classification: Likely pathogenic. Last evaluated: 2022-01-13. Review status: criteria provided, single submitter. Criteria: ACMG Guidelines, 2015. Collection method: clinical testing. Allele origin: germline.
Comment: PP1, PP3, PM1, PM2, PS4_Moderate

Literature cited by the submitters: PubMed 17854865; PubMed 32198656.